The following is an entry in ClinVar:

ClinVar aggregate classification (germline): Benign. Review status: criteria provided, multiple submitters, no conflicts (2 of 4 stars). 4 submissions from 4 submitters: Benign (4). Last evaluated 2021-07-14.

Conditions:
Hearing loss, autosomal recessive 112. Also called: DEAFNESS, AUTOSOMAL RECESSIVE 112. Identifiers: MedGen C4748855, MONDO:0032639, OMIM 618257.

Allele frequency attached by ClinVar (database versions not stated): 1000 Genomes Project 30x 0.39756; gnomAD 0.41760 and 0.41809; TOPMed 0.40151; gnomAD exomes 0.42059 and 0.45094; ESP Exome Variant Server 0.42969; 1000 Genomes Project 0.39956; ExAC 0.42652.
gnomAD v4.1: 715,865 of 1,598,544 alleles (45%); highest among the groups gnomAD compares: South Asian, 48%; 162,808 homozygotes.

Submissions (4):

Genome-Nilou Lab
Classification: Benign for Hearing loss, autosomal recessive 112. Last evaluated: 2021-07-14. Review status: criteria provided, single submitter. Criteria: ACMG Guidelines, 2015. Collection method: clinical testing. Allele origin: germline. Affected: no.

Mayo Clinic Laboratories, Mayo Clinic
Classification: Benign. Last evaluated: 2019-08-13. Review status: criteria provided, single submitter. Criteria: ACMG Guidelines, 2015. Collection method: clinical testing. Allele origin: germline. Observed: 69 variant alleles.

GeneDx
Classification: Benign. Last evaluated: 2017-05-09. Review status: criteria provided, single submitter. Criteria: GeneDx Variant Classification (06012015). Collection method: clinical testing. Allele origin: germline. Affected: yes.
Comment: This variant is considered likely benign or benign based on one or more of the following criteria: it is a conservative change, it occurs at a poorly conserved position in the protein, it is predicted to be benign by multiple in silico algorithms, and/or has population frequency not consistent with disease.

Breakthrough Genomics
Classification: Benign. Review status: criteria provided, single submitter. Criteria: ACMG Guidelines, 2015. Collection method: not provided. Allele origin: germline. Inheritance: Autosomal recessive inheritance. Affected: yes.

NM_018429.3(BDP1):c.4405A>G (p.Lys1469Glu)

Gene: BDP1 (BDP1 general transcription factor IIIB subunit; plus strand). Cytogenetic location: 5q13.2.
Variant type: single nucleotide variant.
Coding change: c.4405A>G on transcript NM_018429.3 (MANE Select); coding-DNA position 4405, A replaced by G.
Protein change: p.Lys1469Glu; replaces lysine 1469 with glutamic acid.
Molecular consequence: missense variant.
Genome position (GRCh38, 1-based): chr5:71,513,342, A>G. VCF-style: chr5-71513342-A-G. GRCh37 (hg19) VCF-style: chr5-70809169-A-G.
Other names: p.Lys1469Glu; short protein forms K1469E.
Identifiers: ClinVar variation 508127 (VCV000508127.6), dbSNP rs1698063, ClinGen allele CA3296688.